The following is an entry in ClinVar:

ClinVar aggregate classification (germline): Uncertain significance (1 of 4 stars; one submission).

Allele frequency attached by ClinVar (database versions not stated): gnomAD exomes below 0.00001; gnomAD 0.00001; 1000 Genomes Project 30x 0.00016; 1000 Genomes Project 0.00020.

Submission:

GeneDx
Classification: Uncertain significance. Last evaluated: 2020-07-07. Review status: criteria provided, single submitter. Criteria: GeneDx Variant Classification Process June 2021. Collection method: clinical testing. Allele origin: germline. Affected: yes.
Comment: In silico analysis supports that this missense variant does not alter protein structure/function; Has not been previously published as pathogenic or benign to our knowledge

NM_006593.4(TBR1):c.112C>T (p.Pro38Ser)

Gene: TBR1 (T-box brain transcription factor 1; plus strand). Cytogenetic location: 2q24.2.
Variant type: single nucleotide variant.
Coding change: c.112C>T on transcript NM_006593.4 (MANE Select); coding-DNA position 112, C replaced by T.
Protein change: p.Pro38Ser; replaces proline 38 with serine.
Molecular consequence: missense variant.
Genome position (GRCh38, 1-based): chr2:161,416,522, C>T. VCF-style: chr2-161416522-C-T. GRCh37 (hg19) VCF-style: chr2-162273033-C-T.
Other names: short protein forms P38S.
Identifiers: ClinVar variation 1313002 (VCV001313002.2), dbSNP rs200648037, ClinGen allele CA59552139.